The following is an entry in ClinVar:

NM_000093.5(COL5A1):c.5204G>A (p.Ser1735Asn)

Genes: COL5A1 (collagen type V alpha 1 chain; plus strand), LOC101448202 (uncharacterized LOC101448202; minus strand). Cytogenetic location: 9q34.3.
Variant type: single nucleotide variant.
Coding change: c.5204G>A on transcript NM_000093.5 (MANE Select); coding-DNA position 5204, G replaced by A.
Protein change: p.Ser1735Asn; replaces serine 1735 with asparagine.
Molecular consequence: missense variant.
Genome position (GRCh38, 1-based): chr9:134,835,038, G>A. VCF-style: chr9-134835038-G-A. GRCh37 (hg19) VCF-style: chr9-137726884-G-A.
Other names: c.5204G>A (NM_000093.3); c.5204G>A, p.Ser1735Asn (NM_001278074.1); short protein forms S1735N.
Identifiers: ClinVar variation 658141 (VCV000658141.41), dbSNP rs1588615451, ClinGen allele CA375460420.

ClinVar aggregate classification (germline): Conflicting classifications of pathogenicity. Review status: criteria provided, conflicting classifications (1 of 4 stars). 4 submissions from 4 submitters: Likely pathogenic (2); Uncertain significance (2). Last evaluated 2023-04-13.

Conditions:
Ehlers-Danlos syndrome, classic type, 1 (EDSCL1). Also called: Ehlers-Danlos syndrome, type 1; Ehlers-Danlos Syndrome, Classic Type, COL5A1-Related; EDS I; EHLERS-DANLOS SYNDROME, GRAVIS TYPE; EHLERS-DANLOS SYNDROME, SEVERE CLASSIC TYPE. Identifiers: MedGen C0268335, MONDO:0019567, OMIM 130000.

Submissions (4):

Illumina Laboratory Services, Illumina
Classification: Uncertain significance for Ehlers-Danlos syndrome, classic type, 1. Last evaluated: 2023-04-13. Review status: criteria provided, single submitter. Criteria: ICSLVariantClassificationCriteria RUGD 01 April 2020. Collection method: clinical testing. Allele origin: unknown.
Comment: The COL5A1 c.5204G>A (p.Ser1735Asn) missense variant has not, to our knowledge, been reported in the peer-reviewed literature. This variant is not observed in version 2.1.1 or version 3.1.2 of the Genome Aggregation Database. Multiple lines of computational evidence suggest the variant may impact the gene or gene product. Based on the available evidence, the c.5204G>A (p.Ser1735Asn) variant is classified as a variant of uncertain significance for classic Ehlers-Danlos syndrome.

GeneDx
Classification: Likely pathogenic. Last evaluated: 2023-03-10. Review status: criteria provided, single submitter. Criteria: GeneDx Variant Classification Process June 2021. Collection method: clinical testing. Allele origin: germline. Affected: yes.
Comment: Not observed in large population cohorts (gnomAD); In silico analysis supports that this missense variant does not alter protein structure/function; Has not been previously published as pathogenic or benign to our knowledge

CeGaT Center for Human Genetics Tuebingen
Classification: Uncertain significance. Last evaluated: 2022-12-01. Review status: criteria provided, single submitter. Criteria: CeGaT Center For Human Genetics Tuebingen Variant Classification Criteria Version 2. Collection method: clinical testing. Allele origin: germline. Affected: yes. Observed: 1 variant allele.
Comment: COL5A1: PM2

Labcorp Genetics (formerly Invitae), Labcorp
Classification: Likely pathogenic for Ehlers-Danlos syndrome, classic type, 1. Last evaluated: 2018-12-05. Review status: criteria provided, single submitter. Criteria: Invitae Variant Classification Sherloc (09022015). Collection method: clinical testing. Allele origin: germline.
Comment: This sequence change replaces serine with asparagine at codon 1735 of the COL5A1 protein (p.Ser1735Asn). The serine residue is moderately conserved and there is a small physicochemical difference between serine and asparagine. This variant is not present in population databases (ExAC no frequency). Algorithms developed to predict the effect of missense changes on protein structure and function are either unavailable or do not agree on the potential impact of this missense change (SIFT: "Deleterious"; PolyPhen-2: "Not Available"; Align-GVGD: "Class C0"). In summary, the currently available evidence indicates that the variant is pathogenic, but additional data are needed to prove that conclusively. Therefore, this variant has been classified as Likely Pathogenic.